The following is an entry in ClinVar:

ClinVar aggregate classification (germline): Likely benign. Review status: criteria provided, multiple submitters, no conflicts (2 of 4 stars). 3 submissions from 3 submitters: Likely benign (2). 1 of the submissions does not count toward it. Last evaluated 2023-12-27.

Conditions:
Autosomal recessive nonsyndromic hearing loss 77. Identifiers: Orphanet 90636, MedGen C2746083, MONDO:0013119, OMIM 613079.

Allele frequency attached by ClinVar (database versions not stated): gnomAD exomes 0.00001 and 0.00002.
gnomAD v4.1: 8 of 1,550,790 alleles (0.00052%); no homozygotes.

Submissions (3):

Labcorp Genetics (formerly Invitae), Labcorp
Classification: Likely benign. Last evaluated: 2023-12-27. Review status: criteria provided, single submitter. Criteria: Invitae Variant Classification Sherloc (09022015). Collection method: clinical testing. Allele origin: germline.

Laboratory for Molecular Medicine, Mass General Brigham Personalized Medicine
Classification: Likely benign. Last evaluated: 2016-02-25. Review status: criteria provided, single submitter. Criteria: LMM Criteria. Collection method: clinical testing. Allele origin: germline. Observed: 1 variant allele.
Comment: p.Lys2064Lys in exon 40 of LOXHD1: This variant is not expected to have clinica l significance because it does not alter an amino acid residue and it is not loc ated within the splice consensus sequence.

Counsyl
Classification: Likely benign for Autosomal recessive nonsyndromic hearing loss 77. Last evaluated: 2017-05-10. Review status: no assertion criteria provided. Collection method: clinical testing. Allele origin: unknown. Not counted in ClinVar's aggregate classification.

NM_001384474.1(LOXHD1):c.6378G>A (p.Lys2126=)

Gene: LOXHD1 (lipoxygenase homology PLAT domains 1; minus strand). Cytogenetic location: 18q21.1.
Variant type: single nucleotide variant.
Coding change: c.6378G>A on transcript NM_001384474.1 (MANE Select); coding-DNA position 6378, G replaced by A.
Protein change: p.Lys2126=; no amino-acid change (lysine 2126 retained).
Molecular consequence: synonymous variant.
Genome position (GRCh38, 1-based): chr18:46,477,916, C>T on the plus strand (G>A on the coding strand, the complement: LOXHD1 is on the minus strand). VCF-style: chr18-46477916-C-T. GRCh37 (hg19) VCF-style: chr18-44057879-C-T.
Other names: c.1095G>A, p.Lys365= (NM_001173129.2, NM_001145473.3); c.2757G>A, p.Lys919= (NM_001308013.2); c.6192G>A, p.Lys2064= (NM_144612.7); c.3045G>A, p.Lys1015= (NM_001145472.3).
Identifiers: ClinVar variation 227530 (VCV000227530.13), dbSNP rs876657498, ClinGen allele CA10577065.